The following is an entry in ClinVar:

NM_001378452.1(ITPR1):c.3740C>A (p.Ala1247Asp)

Gene: ITPR1 (inositol 1,4,5-trisphosphate receptor type 1; plus strand). Cytogenetic location: 3p26.1.
Variant type: single nucleotide variant.
Coding change: c.3740C>A on transcript NM_001378452.1 (MANE Select); coding-DNA position 3740, C replaced by A.
Protein change: p.Ala1247Asp; replaces alanine 1247 with aspartic acid.
Molecular consequence: missense variant.
Genome position (GRCh38, 1-based): chr3:4,688,532, C>A. VCF-style: chr3-4688532-C-A. GRCh37 (hg19) VCF-style: chr3-4730216-C-A.
Other names: c.3713C>A, p.Ala1238Asp (NM_001099952.4); c.3695C>A, p.Ala1232Asp (NM_001168272.2); c.3668C>A, p.Ala1223Asp (NM_002222.7); short protein forms A1232D, A1238D, A1247D, A1223D.
Identifiers: ClinVar variation 2150429 (VCV002150429.4), dbSNP rs1195918323, ClinGen allele CA351630157.

ClinVar aggregate classification (germline): Uncertain significance (1 of 4 stars; one submission).

Allele frequency attached by ClinVar (database versions not stated): gnomAD exomes below 0.00001.
gnomAD v4.1: 1 of 1,614,026 alleles (0.000062%); highest among the groups gnomAD compares: Admixed American, 0.0017%; no homozygotes.

Submission:

Labcorp Genetics (formerly Invitae), Labcorp
Classification: Uncertain significance. Last evaluated: 2025-05-05. Review status: criteria provided, single submitter. Criteria: Invitae Variant Classification Sherloc (09022015). Collection method: clinical testing. Allele origin: germline.
Comment: This sequence change replaces alanine, which is neutral and non-polar, with aspartic acid, which is acidic and polar, at codon 1223 of the ITPR1 protein (p.Ala1223Asp). This variant is present in population databases (no rsID available, gnomAD 0.003%). This variant has not been reported in the literature in individuals affected with ITPR1-related conditions. ClinVar contains an entry for this variant (Variation ID: 2150429). Invitae Evidence Modeling of protein sequence and biophysical properties (such as structural, functional, and spatial information, amino acid conservation, physicochemical variation, residue mobility, and thermodynamic stability) indicates that this missense variant is expected to disrupt ITPR1 protein function with a positive predictive value of 95%. In summary, the available evidence is currently insufficient to determine the role of this variant in disease. Therefore, it has been classified as a Variant of Uncertain Significance.